The following is an entry in ClinVar:

NM_001134673.4(NFIA):c.1255-8C>T

Gene: NFIA (nuclear factor I A; plus strand). Cytogenetic location: 1p31.3.
Variant type: single nucleotide variant.
Coding change: c.1255-8C>T on transcript NM_001134673.4 (MANE Select); 8 bases into the intron before coding-DNA position 1255, C replaced by T.
Molecular consequence: intron variant.
Genome position (GRCh38, 1-based): chr1:61,406,554, C>T. VCF-style: chr1-61406554-C-T. GRCh37 (hg19) VCF-style: chr1-61872226-C-T.
Other names: c.1231-8C>T (NM_001145511.2); c.1390-8C>T (NM_001145512.2); c.1255-8C>T (NM_005595.5, NM_005595.4).
Identifiers: ClinVar variation 2638854 (VCV002638854.25), dbSNP rs199806380, ClinGen allele CA881237.

ClinVar aggregate classification (germline): Benign. Review status: criteria provided, single submitter (1 of 4 stars). 2 submissions from 2 submitters: Benign (1). 1 of the submissions does not count toward it. Last evaluated 2022-07-01.

Conditions:
NFIA-Related Disorder. Also called: NFIA-related condition; NFIA-related disorders. Identifiers: MedGen CN381099.

Allele frequency attached by ClinVar (database versions not stated): ESP Exome Variant Server 0.00008.
gnomAD v4.1: 56 of 1,380,624 alleles (0.0041%); highest among the groups gnomAD compares: East Asian, 0.062%; no homozygotes.

Submissions (2):

CeGaT Center for Human Genetics Tuebingen
Classification: Benign. Last evaluated: 2022-07-01. Review status: criteria provided, single submitter. Criteria: CeGaT Center For Human Genetics Tuebingen Variant Classification Criteria Version 2. Collection method: clinical testing. Allele origin: germline. Affected: yes. Observed: 1 variant allele.
Comment: NFIA: BS1, BS2

PreventionGenetics, part of Exact Sciences
Classification: Likely benign for NFIA-related condition. Last evaluated: 2019-05-30. Review status: no assertion criteria provided. Collection method: clinical testing. Allele origin: germline. Not counted in ClinVar's aggregate classification.
Comment: This variant is classified as likely benign based on ACMG/AMP sequence variant interpretation guidelines (Richards et al. 2015 PMID: 25741868, with internal and published modifications).